The following is an entry in ClinVar:

NM_000143.4(FH):c.1348A>G (p.Asn450Asp)

Gene: FH (fumarate hydratase; minus strand). Cytogenetic location: 1q43.
Variant type: single nucleotide variant.
Coding change: c.1348A>G on transcript NM_000143.4 (MANE Select); coding-DNA position 1348, A replaced by G.
Protein change: p.Asn450Asp; replaces asparagine 450 with aspartic acid.
Molecular consequence: missense variant.
Genome position (GRCh38, 1-based): chr1:241,500,479, T>C on the plus strand (A>G on the coding strand, the complement: FH is on the minus strand). VCF-style: chr1-241500479-T-C. GRCh37 (hg19) VCF-style: chr1-241663779-T-C.
Other names: short protein forms N450D.
Identifiers: ClinVar variation 846977 (VCV000846977.11), dbSNP rs1659742832, ClinGen allele CA345436463.
Genomic context (GRCh38, chr1:241,500,479, plus strand): 5'-TATTCCTTAAACACTTACCTATATGAGGATTGAGAGCTGTCACCAACATTAGAGACTCAT[T>C]CATCAGCTTGTTGATCCTTTCTGTATTGGCCTGGATTCCCACCACGCAGTTTTCTGTAAA-3'
Protein context (NP_000134.2, residues 440-460): ANTERINKLM[Asn450Asp]ESLMLVTALN

ClinVar aggregate classification (germline): Uncertain significance. Review status: criteria provided, multiple submitters, no conflicts (2 of 4 stars). 2 submissions from 2 submitters: Uncertain significance (2). Last evaluated 2024-03-28.

Conditions:
Hereditary cancer-predisposing syndrome. Also called: Tumor predisposition; Hereditary neoplastic syndrome; Neoplastic Syndromes, Hereditary; Hereditary Cancer Syndrome. Identifiers: Orphanet 140162, MedGen C0027672, MeSH D009386, MONDO:0015356.

Submissions (2):

Ambry Genetics
Classification: Uncertain significance for Hereditary cancer-predisposing syndrome. Last evaluated: 2024-03-28. Review status: criteria provided, single submitter. Criteria: Ambry Variant Classification Scheme 2023. Collection method: clinical testing. Allele origin: germline.
Comment: The p.N450D variant (also known as c.1348A>G), located in coding exon 9 of the FH gene, results from an A to G substitution at nucleotide position 1348. The asparagine at codon 450 is replaced by aspartic acid, an amino acid with highly similar properties. This amino acid position is conserved. In addition, this alteration is predicted to be tolerated by in silico analysis. Based on the available evidence, the clinical significance of this alteration remains unclear.

Labcorp Genetics (formerly Invitae), Labcorp
Classification: Uncertain significance. Last evaluated: 2019-03-07. Review status: criteria provided, single submitter. Criteria: Invitae Variant Classification Sherloc (09022015). Collection method: clinical testing. Allele origin: germline.
Comment: In summary, the available evidence is currently insufficient to determine the role of this variant in disease. Therefore, it has been classified as a Variant of Uncertain Significance. Algorithms developed to predict the effect of missense changes on protein structure and function (SIFT, PolyPhen-2, Align-GVGD) all suggest that this variant is likely to be tolerated, but these predictions have not been confirmed by published functional studies and their clinical significance is uncertain. This variant has not been reported in the literature in individuals with FH-related conditions. This variant is not present in population databases (ExAC no frequency). This sequence change replaces asparagine with aspartic acid at codon 450 of the FH protein (p.Asn450Asp). The asparagine residue is weakly conserved and there is a small physicochemical difference between asparagine and aspartic acid.